The following is an entry in ClinVar:

NM_000075.4(CDK4):c.245G>T (p.Arg82Leu)

Gene: CDK4 (cyclin dependent kinase 4; minus strand). Cytogenetic location: 12q14.1.
Variant type: single nucleotide variant.
Coding change: c.245G>T on transcript NM_000075.4 (MANE Select); coding-DNA position 245, G replaced by T.
Protein change: p.Arg82Leu; replaces arginine 82 with leucine.
Molecular consequence: missense variant.
Genome position (GRCh38, 1-based): chr12:57,751,316, C>A on the plus strand (G>T on the coding strand, the complement: CDK4 is on the minus strand). VCF-style: chr12-57751316-C-A. GRCh37 (hg19) VCF-style: chr12-58145099-C-A.
Other names: short protein forms R82L.
Identifiers: ClinVar variation 1482571 (VCV001482571.6), dbSNP rs3211612, ClinGen allele CA385548227.

ClinVar aggregate classification (germline): Uncertain significance (1 of 4 stars; one submission).

Conditions:
Familial melanoma. Also called: Hereditary melanoma; Hereditary cutaneous melanoma. Identifiers: Orphanet 618, MedGen C1512419, MONDO:0018961.

Submission:

Labcorp Genetics (formerly Invitae), Labcorp
Classification: Uncertain significance for Familial melanoma. Last evaluated: 2021-10-17. Review status: criteria provided, single submitter. Criteria: Invitae Variant Classification Sherloc (09022015). Collection method: clinical testing. Allele origin: germline.
Comment: In summary, the available evidence is currently insufficient to determine the role of this variant in disease. Therefore, it has been classified as a Variant of Uncertain Significance. Advanced modeling of protein sequence and biophysical properties (such as structural, functional, and spatial information, amino acid conservation, physicochemical variation, residue mobility, and thermodynamic stability) performed at Invitae indicates that this missense variant is not expected to disrupt CDK4 protein function. This variant has not been reported in the literature in individuals affected with CDK4-related conditions. This variant is not present in population databases (ExAC no frequency). This sequence change replaces arginine with leucine at codon 82 of the CDK4 protein (p.Arg82Leu). The arginine residue is moderately conserved and there is a moderate physicochemical difference between arginine and leucine.